The following is an entry in ClinVar:

ClinVar aggregate classification (germline): Pathogenic (1 of 4 stars; one submission).

Conditions:
Cardiac anomalies - developmental delay - facial dysmorphism syndrome (MRFACD). Also called: Impaired intellectual development and distinctive facial features with or without cardiac defects; MED13L Syndrome. Identifiers: Orphanet 369891, MedGen C5192431, MONDO:0014773, OMIM 616789.

Submission:

Institute of Human Genetics, University of Leipzig Medical Center
Classification: Pathogenic for Cardiac anomalies - developmental delay - facial dysmorphism syndrome. Last evaluated: 2024-06-16. Review status: criteria provided, single submitter. Criteria: ACMG Guidelines, 2015. Collection method: clinical testing. Allele origin: de novo. Inheritance: Autosomal dominant inheritance. Affected: yes.
Comment: Criteria applied: PVS1,PS2_MOD,PM2

NM_015335.5(MED13L):c.57del (p.Asn20fs)

Gene: MED13L (mediator complex subunit 13L; minus strand). Cytogenetic location: 12q24.21.
Variant type: Deletion.
Coding change: c.57del on transcript NM_015335.5 (MANE Select); coding-DNA position 57, one base deleted (C; older notation c.57delC).
Protein change: p.Asn20fs; shifts the reading frame from asparagine 20.
Molecular consequence: frameshift variant.
Genome position (GRCh38, 1-based): chr12:116,277,075, G deleted on the plus strand (C on the coding strand, the reverse complement: MED13L is on the minus strand); the first of 2 consecutive G bases (chr12:116,277,075-116,277,076); deleting either gives the same sequence. VCF-style (leftmost placement, unchanged base first): chr12-116277074-TG-T. GRCh37 (hg19) VCF-style: chr12-116714879-TG-T.
Other names: short protein forms N20fs.
Identifiers: ClinVar variation 3358957 (VCV003358957.2).